The following is an entry in ClinVar:

ClinVar aggregate classification (germline): Uncertain significance (1 of 4 stars; one submission).

Conditions:
Anauxetic dysplasia. Identifiers: Orphanet 93347, MedGen C1846796, MONDO:0011773.

Allele frequency attached by ClinVar (database versions not stated): gnomAD 0.00001.

Submission:

Labcorp Genetics (formerly Invitae), Labcorp
Classification: Uncertain significance for Anauxetic dysplasia. Last evaluated: 2022-08-13. Review status: criteria provided, single submitter. Criteria: Invitae Variant Classification Sherloc (09022015). Collection method: clinical testing. Allele origin: germline.
Comment: This variant occurs in the RMRP gene, which encodes an RNA molecule that does not result in a protein product. This variant is not present in population databases (gnomAD no frequency). This variant has not been reported in the literature in individuals affected with RMRP-related conditions. Experimental studies and prediction algorithms are not available or were not evaluated, and the functional significance of this variant is currently unknown. In summary, the available evidence is currently insufficient to determine the role of this variant in disease. Therefore, it has been classified as a Variant of Uncertain Significance.

NC_000009.12:g.35657674T>G

Gene: RMRP (RNA component of mitochondrial RNA processing endoribonuclease; minus strand). Cytogenetic location: 9p13.3.
Variant type: single nucleotide variant.
Genome position: GRCh38 VCF-style: chr9-35657674-T-G. GRCh37 (hg19) VCF-style: chr9-35657671-T-G.
Identifiers: ClinVar variation 1350244 (VCV001350244.3), dbSNP rs1244474890, ClinGen allele CA863581701.